The following is an entry in ClinVar:

ClinVar aggregate classification (germline): Uncertain significance. Review status: criteria provided, multiple submitters, no conflicts (2 of 4 stars). 10 submissions from 10 submitters: Uncertain significance (9). 1 of the submissions does not count toward it. Last evaluated 2025-11-25.

Conditions:
Familial cancer of breast. Also called: Hereditary breast cancer; hereditary breast carcinoma; BREAST CANCER, FAMILIAL. Identifiers: Orphanet 227535, MedGen C0346153, MONDO:0016419, OMIM 114480. Disease mechanism: loss of function.
ATM-related disorder. Also called: ATM-related disorders; ATM-related condition.
Ataxia-telangiectasia syndrome (AT). Also called: Ataxia telangiectasia (A-T); LOUIS-BAR SYNDROME; Cerebello-oculocutaneous telangiectasia; Immunodeficiency with ataxia telangiectasia; Ataxia-telangiectasia, complementation group D; AT, COMPLEMENTATION GROUP C. Identifiers: Orphanet 100, MedGen C0004135, MONDO:0008840, OMIM 208900.
Hereditary cancer-predisposing syndrome. Also called: Hereditary neoplastic syndrome; Neoplastic Syndromes, Hereditary; Tumor predisposition; Hereditary Cancer Syndrome. Identifiers: Orphanet 140162, MedGen C0027672, MeSH D009386, MONDO:0015356.

Allele frequency attached by ClinVar (database versions not stated): ESP Exome Variant Server 0.00008; ExAC 0.00001; gnomAD exomes 0.00001 and 0.00002; gnomAD 0.00003; TOPMed 0.00006.
gnomAD v4.1: 14 of 1,613,850 alleles (0.00087%); highest among the groups gnomAD compares: African/African-American, 0.019%; no homozygotes.

Submissions (10):

Labcorp Genetics (formerly Invitae), Labcorp
Classification: Uncertain significance for Ataxia-telangiectasia syndrome. Last evaluated: 2025-11-25. Review status: criteria provided, single submitter. Criteria: Invitae Variant Classification Sherloc (09022015). Collection method: clinical testing. Allele origin: germline.
Comment: This sequence change replaces glutamic acid, which is acidic and polar, with glutamine, which is neutral and polar, at codon 1182 of the ATM protein (p.Glu1182Gln). This variant is present in population databases (rs377349886, gnomAD 0.02%). This variant has not been reported in the literature in individuals affected with ATM-related conditions. ClinVar contains an entry for this variant (Variation ID: 407566). Invitae Evidence Modeling of protein sequence and biophysical properties (such as structural, functional, and spatial information, amino acid conservation, physicochemical variation, residue mobility, and thermodynamic stability) indicates that this missense variant is not expected to disrupt ATM protein function with a negative predictive value of 95%. In summary, the available evidence is currently insufficient to determine the role of this variant in disease. Therefore, it has been classified as a Variant of Uncertain Significance.

Quest Diagnostics Nichols Institute San Juan Capistrano
Classification: Uncertain significance. Last evaluated: 2025-08-08. Review status: criteria provided, single submitter. Criteria: Quest Diagnostics criteria. Collection method: clinical testing. Allele origin: unknown.

Ambry Genetics
Classification: Uncertain significance for Hereditary cancer-predisposing syndrome. Last evaluated: 2025-06-10. Review status: criteria provided, single submitter. Criteria: Ambry Variant Classification Scheme 2023. Collection method: clinical testing. Allele origin: germline.
Comment: The p.E1182Q variant (also known as c.3544G>C), located in coding exon 23 of the ATM gene, results from a G to C substitution at nucleotide position 3544. The glutamic acid at codon 1182 is replaced by glutamine, an amino acid with highly similar properties. This amino acid position is well conserved in available vertebrate species. In addition, this alteration is predicted to be tolerated by in silico analysis. Based on the available evidence, the clinical significance of this variant remains unclear.

Color Diagnostics, LLC DBA Color Health
Classification: Uncertain significance for Hereditary cancer-predisposing syndrome. Last evaluated: 2025-02-03. Review status: criteria provided, single submitter. Criteria: ACMG Guidelines, 2015. Collection method: clinical testing. Allele origin: germline.
Comment: This missense variant replaces glutamic acid with glutamine at codon 1182 of the ATM protein. Computational prediction suggests that this variant may not impact protein structure and function. To our knowledge, functional studies have not been reported for this variant. This variant has not been reported in individuals affected with ATM-related disorders in the literature. This variant has been identified in 7/282724 chromosomes in the general population by the Genome Aggregation Database (gnomAD). The available evidence is insufficient to determine the role of this variant in disease conclusively. Therefore, this variant is classified as a Variant of Uncertain Significance.

ARUP Laboratories, Molecular Genetics and Genomics, ARUP Laboratories
Classification: Uncertain significance. Last evaluated: 2024-12-26. Review status: criteria provided, single submitter. Criteria: ARUP Molecular Germline Variant Investigation Process 2024. Collection method: clinical testing. Allele origin: germline.
Comment: The ATM c.3544G>C; p.Glu1182Gln variant (rs377349886), to our knowledge, is not reported in the medical literature but is reported in ClinVar (Variation ID: 407566). This variant is found in the African/African-American population with an allele frequency of 0.03% (7/24,958 alleles) in the Genome Aggregation Database (v2.1.1). Computational analyses predict that this variant is neutral (REVEL: 0.19). Due to limited information, the clinical significance of this variant is uncertain at this time.

Women's Health and Genetics/Laboratory Corporation of America, LabCorp
Classification: Uncertain significance. Last evaluated: 2024-08-19. Review status: criteria provided, single submitter. Criteria: LabCorp Variant Classification Summary - May 2015. Collection method: clinical testing. Allele origin: germline.
Comment: Variant summary: ATM c.3544G>C (p.Glu1182Gln) results in a conservative amino acid change in the encoded protein sequence. Three of five in-silico tools predict a damaging effect of the variant on protein function. The variant allele was found at a frequency of 1.6e-05 in 251340 control chromosomes. The available data on variant occurrences in the general population are insufficient to allow any conclusion about variant significance. To our knowledge, no occurrence of c.3544G>C in individuals affected with Breast Cancer and no experimental evidence demonstrating its impact on protein function have been reported. ClinVar contains an entry for this variant (Variation ID: 407566). Based on the evidence outlined above, the variant was classified as uncertain significance.

Baylor Genetics
Classification: Uncertain significance for Familial cancer of breast. Last evaluated: 2024-02-27. Review status: criteria provided, single submitter. Criteria: ACMG Guidelines, 2015. Collection method: clinical testing. Allele origin: unknown.

GeneDx
Classification: Uncertain significance. Last evaluated: 2023-07-09. Review status: criteria provided, single submitter. Criteria: GeneDx Variant Classification Process June 2021. Collection method: clinical testing. Allele origin: germline. Affected: yes.
Comment: In silico analysis supports that this missense variant does not alter protein structure/function; Has not been previously published as pathogenic or benign to our knowledge; This variant is associated with the following publications: (PMID: 19781682)

PreventionGenetics, part of Exact Sciences
Classification: Uncertain significance for ATM-related condition. Last evaluated: 2023-07-08. Review status: criteria provided, single submitter. Criteria: ACMG Guidelines, 2015. Collection method: clinical testing. Allele origin: germline.
Comment: The ATM c.3544G>C variant is predicted to result in the amino acid substitution p.Glu1182Gln. To our knowledge, this variant has not been reported in the literature. This variant is reported in 0.028% of alleles in individuals of African descent in gnomAD; and, it is interpreted as a variant of uncertain significance in ClinVar. At this time, the clinical significance of this variant is uncertain due to the absence of conclusive functional and genetic evidence.

Natera, Inc.
Classification: Uncertain significance for Ataxia-telangiectasia. Last evaluated: 2021-01-06. Review status: no assertion criteria provided. Collection method: clinical testing. Allele origin: germline. Not counted in ClinVar's aggregate classification.

NM_000051.4(ATM):c.3544G>C (p.Glu1182Gln)

Gene: ATM (ATM serine/threonine kinase; plus strand). Cytogenetic location: 11q22.3.
Variant type: single nucleotide variant.
Coding change: c.3544G>C on transcript NM_000051.4 (MANE Select); coding-DNA position 3544, G replaced by C.
Protein change: p.Glu1182Gln; replaces glutamic acid 1182 with glutamine.
Molecular consequence: missense variant.
Genome position (GRCh38, 1-based): chr11:108,281,136, G>C. VCF-style: chr11-108281136-G-C. GRCh37 (hg19) VCF-style: chr11-108151863-G-C.
Other names: c.3544G>C, p.Glu1182Gln (NM_001351834.2); short protein forms E1182Q.
Identifiers: ClinVar variation 407566 (VCV000407566.35), dbSNP rs377349886, ClinGen allele CA6265306.
Genomic context (GRCh38, chr11:108,281,136, plus strand): 5'-TTATCCTGTAGCCCTATCTGCGAAAAACAGGCTTTGTTTGCCCTGTGTAAATCTGTGAAA[G>C]AGAATGGATTAGAACCTCACCTTGTGAAAAAGGTATATATGGATGAGTATTTTATTAGAA-3'
Protein context (NP_000042.3, residues 1172-1192): ALFALCKSVK[Glu1182Gln]NGLEPHLVKK